The following is an entry in ClinVar:

ClinVar aggregate classification (germline): Benign/Likely benign. Review status: criteria provided, multiple submitters, no conflicts (2 of 4 stars). 10 submissions from 10 submitters: Benign (1); Likely benign (7). 2 of the submissions do not count toward it. Last evaluated 2026-01-28.

Conditions:
Cardiovascular phenotype. Identifiers: MedGen CN230736.
Telangiectasia, hereditary hemorrhagic, type 5 (HHT5). Identifiers: Orphanet 774, MedGen C3809710, MONDO:0014217, OMIM 615506.
GDF2-related disorder. Also called: GDF2-related condition.

Allele frequency attached by ClinVar (database versions not stated): ESP Exome Variant Server 0.00015; 1000 Genomes Project 30x 0.00016; 1000 Genomes Project 0.00020; gnomAD 0.00031 and 0.00032; gnomAD exomes 0.00032 and 0.00049; TOPMed 0.00032; ExAC 0.00037.
gnomAD v4.1: 527 of 1,614,182 alleles (0.033%); highest among the groups gnomAD compares: Middle Eastern, 0.28%; no homozygotes.

Submissions (10):

Labcorp Genetics (formerly Invitae), Labcorp
Classification: Benign for Telangiectasia, hereditary hemorrhagic, type 5. Last evaluated: 2026-01-28. Review status: criteria provided, single submitter. Criteria: Invitae Variant Classification Sherloc (09022015). Collection method: clinical testing. Allele origin: germline.

PreventionGenetics, part of Exact Sciences
Classification: Likely benign for GDF2-related condition. Last evaluated: 2024-10-27. Review status: criteria provided, single submitter. Criteria: ACMG Guidelines, 2015. Collection method: clinical testing. Allele origin: germline.
Comment: This variant is classified as likely benign based on ACMG/AMP sequence variant interpretation guidelines (Richards et al. 2015 PMID: 25741868, with internal and published modifications).

Blueprint Genetics
Classification: Likely benign. Last evaluated: 2024-09-03. Review status: criteria provided, single submitter. Criteria: ACMG Guidelines, 2015. Collection method: clinical testing. Allele origin: germline.

Fulgent Genetics
Classification: Likely benign for Telangiectasia, hereditary hemorrhagic, type 5. Last evaluated: 2022-04-15. Review status: criteria provided, single submitter. Criteria: ACMG Guidelines, 2015. Collection method: clinical testing. Allele origin: unknown.

ARUP Laboratories, Molecular Genetics and Genomics, ARUP Laboratories
Classification: Likely benign for Telangiectasia, hereditary hemorrhagic, type 5. Last evaluated: 2021-10-23. Review status: criteria provided, single submitter. Criteria: ARUP Molecular Germline Variant Investigation Process 2021. Collection method: clinical testing. Allele origin: germline.

Ambry Genetics
Classification: Likely benign for Cardiovascular phenotype. Last evaluated: 2021-03-31. Review status: criteria provided, single submitter. Criteria: Ambry Variant Classification Scheme 2023. Collection method: clinical testing. Allele origin: germline.

GeneDx
Classification: Likely benign. Last evaluated: 2021-03-19. Review status: criteria provided, single submitter. Criteria: GeneDx Variant Classification Process June 2021. Collection method: clinical testing. Allele origin: germline. Affected: yes.
Comment: This variant is associated with the following publications: (PMID: 32573726, 30578397)

NIHR Bioresource Rare Diseases, University of Cambridge
Classification: Likely benign for Telangiectasia, hereditary hemorrhagic, type 5. Last evaluated: 2018-01-01. Review status: criteria provided, single submitter. Criteria: ACMG Guidelines, 2015. Collection method: research. Allele origin: unknown. Affected: yes. Observed: 1 variant allele.
Comment: BS1 + BP2

Clinical Genetics, Academic Medical Center
Classification: Likely benign. Review status: no assertion criteria provided. Collection method: clinical testing. Allele origin: germline. Affected: yes. Study: VKGL Data-share Consensus. Not counted in ClinVar's aggregate classification.

Joint Genome Diagnostic Labs from Nijmegen and Maastricht, Radboudumc and MUMC+
Classification: Likely benign. Review status: no assertion criteria provided. Collection method: clinical testing. Allele origin: germline. Affected: yes. Study: VKGL Data-share Consensus. Not counted in ClinVar's aggregate classification.

Literature cited by the submitters: PubMed 32573726 (cited by NIHR Bioresource Rare Diseases, University of Cambridge).

NM_016204.4(GDF2):c.776A>G (p.Asn259Ser)

Gene: GDF2 (growth differentiation factor 2; plus strand). Cytogenetic location: 10q11.22.
Variant type: single nucleotide variant.
Coding change: c.776A>G on transcript NM_016204.4 (MANE Select); coding-DNA position 776, A replaced by G.
Protein change: p.Asn259Ser; replaces asparagine 259 with serine.
Molecular consequence: missense variant.
Genome position (GRCh38, 1-based): chr10:47,325,270, A>G. VCF-style: chr10-47325270-A-G. GRCh37 (hg19) VCF-style: chr10-48414092-T-C.
Other names: c.776A>G (NM_016204.1, NM_016204.3); short protein forms N259S.
Identifiers: ClinVar variation 695332 (VCV000695332.30), dbSNP rs140271276, ClinGen allele CA5488023.
Genomic context (GRCh38, chr10:47,325,270, plus strand): 5'-CGCTGGACATCAGTGTCCCCCCAGGTTCCAGAAACCTGCCCTTCTTTGTTGTCTTCTCCA[A>G]TGACCACAGCAGTGGGACCAAGGAGACCAGGCTGGAGCTGAGGGAGATGATCAGCCATGA-3'
Protein context (NP_057288.1, residues 249-269): RNLPFFVVFS[Asn259Ser]DHSSGTKETR